The following is an entry in ClinVar:

ClinVar aggregate classification (germline): Uncertain significance (1 of 4 stars; one submission).

gnomAD v4.1: 3 of 1,610,898 alleles (0.00019%); highest among the groups gnomAD compares: African/African-American, 0.0013%; no homozygotes.

Submission:

GeneDx
Classification: Uncertain significance. Last evaluated: 2025-01-16. Review status: criteria provided, single submitter. Criteria: GeneDx Variant Classification Process June 2021. Collection method: clinical testing. Allele origin: germline. Affected: yes.
Comment: Reported as de novo in an individual with autism spectrum disorder, however, detailed clinical and segregation information was not provided (PMID: 35982160, 35982159); In silico analysis supports that this missense variant has a deleterious effect on protein structure/function; Not observed at significant frequency in large population cohorts (gnomAD); This variant is associated with the following publications: (PMID: 35982160, 35982159)

NM_001348716.2(KDM6B):c.4783C>T (p.Arg1595Cys)

Gene: KDM6B (lysine demethylase 6B; plus strand). Cytogenetic location: 17p13.1.
Variant type: single nucleotide variant.
Coding change: c.4783C>T on transcript NM_001348716.2 (MANE Select); coding-DNA position 4783, C replaced by T.
Protein change: p.Arg1595Cys; replaces arginine 1595 with cysteine.
Molecular consequence: missense variant.
Genome position (GRCh38, 1-based): chr17:7,853,255, C>T. VCF-style: chr17-7853255-C-T. GRCh37 (hg19) VCF-style: chr17-7756573-C-T.
Other names: c.4783C>T, p.Arg1595Cys (NM_001080424.2); short protein forms R1595C.
Identifiers: ClinVar variation 3371333 (VCV003371333.2).
Genomic context (GRCh38, chr17:7,853,255, plus strand): 5'-TCCTCCCTGCCCCAGGTGGAGGTGTTTAACATCCTGTTCGTGACAAGTGAGAATGGCAGC[C>T]GCAACACGTACCTGGTACACTGCGAGGGCTGTGCCCGGCGCCGCAGCGCAGGCCTGCAGG-3'
Protein context (NP_001335645.1, residues 1585-1605): ILFVTSENGS[Arg1595Cys]NTYLVHCEGC